The following is an entry in ClinVar:

ClinVar aggregate classification (germline): Uncertain significance. Review status: criteria provided, multiple submitters, no conflicts (2 of 4 stars). 2 submissions from 2 submitters: Uncertain significance (2). Last evaluated 2025-03-12.

Conditions:
Cardiovascular phenotype. Identifiers: MedGen CN230736.
Hypertrophic cardiomyopathy. Also called: HYPERTROPHIC MYOCARDIOPATHY. Identifiers: Orphanet 217569, MedGen C0007194, MeSH D002312, MONDO:0005045, HP:0001639.

Allele frequency attached by ClinVar (database versions not stated): gnomAD exomes below 0.00001.
gnomAD v4.1: 3 of 1,614,130 alleles (0.00019%); highest among the groups gnomAD compares: South Asian, 0.0011%; no homozygotes.

Submissions (2):

Labcorp Genetics (formerly Invitae), Labcorp
Classification: Uncertain significance for Hypertrophic cardiomyopathy. Last evaluated: 2025-03-12. Review status: criteria provided, single submitter. Criteria: Invitae Variant Classification Sherloc (09022015). Collection method: clinical testing. Allele origin: germline.
Comment: This sequence change replaces lysine, which is basic and polar, with arginine, which is basic and polar, at codon 268 of the TPM1 protein (p.Lys268Arg). This variant is present in population databases (no rsID available, gnomAD 0.003%). This missense change has been observed in individual(s) with arrhythmogenic cardiomyopathy (PMID: 30453078). ClinVar contains an entry for this variant (Variation ID: 1761757). An algorithm developed to predict the effect of missense changes on protein structure and function (PolyPhen-2) suggests that this variant is likely to be tolerated. In summary, the available evidence is currently insufficient to determine the role of this variant in disease. Therefore, it has been classified as a Variant of Uncertain Significance.

Ambry Genetics
Classification: Uncertain significance for Cardiovascular phenotype. Last evaluated: 2022-04-19. Review status: criteria provided, single submitter. Criteria: Ambry Variant Classification Scheme 2023. Collection method: clinical testing. Allele origin: germline.
Comment: The p.K268R variant (also known as c.803A>G), located in coding exon 9 of the TPM1 gene, results from an A to G substitution at nucleotide position 803. The lysine at codon 268 is replaced by arginine, an amino acid with highly similar properties. This alteration has been reported in an arrhythmogenic right ventricular cardiomyopathy (ARVC) cohort and a hypertrophic cardiomyopathy (HCM) cohort; however, clinical details were limited in both cases and additional alterations in other cardiac-related genes were identified in one case (Poloni G et al. Heart Rhythm, 2019 05;16:773-780; Harper AR et al. Nat Genet, 2021 02;53:135-142). This amino acid position is highly conserved in available vertebrate species. In addition, this alteration is predicted to be deleterious by in silico analysis. Since supporting evidence is limited at this time, the clinical significance of this alteration remains unclear.

Literature cited by the submitters: PubMed 30453078 (cited by Labcorp Genetics (formerly Invitae), Labcorp and Ambry Genetics); PubMed 33495597 (cited by Ambry Genetics).

NM_001018005.2(TPM1):c.803A>G (p.Lys268Arg)

Gene: TPM1 (tropomyosin 1; plus strand). Cytogenetic location: 15q22.2.
Variant type: single nucleotide variant.
Coding change: c.803A>G on transcript NM_001018005.2 (MANE Select); coding-DNA position 803, A replaced by G.
Protein change: p.Lys268Arg; replaces lysine 268 with arginine.
Molecular consequence: missense variant. On other transcripts: intron variant (12).
Genome position (GRCh38, 1-based): chr15:63,064,094, A>G. VCF-style: chr15-63064094-A-G. GRCh37 (hg19) VCF-style: chr15-63356293-A-G.
Other names: c.803A>G, p.Lys268Arg (NM_001365779.1, NM_001407326.1, NM_001407329.1 and 8 more transcripts); c.695A>G, p.Lys232Arg (NM_001365781.2, NM_001365782.1, NM_001407344.1 and 1 more transcripts); c.929A>G, p.Lys310Arg (NM_001407322.1, NM_001407323.1, NM_001407324.1); c.*1285A>G (NM_001407325.1, NM_001407340.1, NM_001407341.1); c.898+1449A>G (NM_001365778.1); c.772+1449A>G (NM_001018020.2, NM_001018007.2, NM_001018006.2 and 3 more transcripts); c.664+1449A>G (NM_001330351.2, NM_001330344.2, NM_001018008.2 and 2 more transcripts); short protein forms K232R, K268R, K310R.
Identifiers: ClinVar variation 1761757 (VCV001761757.3), dbSNP rs1395706088, ClinGen allele CA392725129.
Genomic context (GRCh38, chr15:63,064,094, plus strand): 5'-GCACCTCTGCCTTCCACTTCCTGGTCATAGACGAGCTGTACGCTCAGAAACTGAAGTACA[A>G]AGCCATCAGCGAGGAGCTGGACCACGCTCTCAACGATATGACTTCCATGTAAACGTTCAT-3'
Protein context (NP_001018005.1, residues 258-278): DELYAQKLKY[Lys268Arg]AISEELDHAL